The following is an entry in ClinVar:

NM_001378454.1(ALMS1):c.3395A>G (p.Gln1132Arg)

Gene: ALMS1 (ALMS1 centrosome and basal body associated protein; plus strand). Cytogenetic location: 2p13.1.
Variant type: single nucleotide variant.
Coding change: c.3395A>G on transcript NM_001378454.1 (MANE Select); coding-DNA position 3395, A replaced by G.
Protein change: p.Gln1132Arg; replaces glutamine 1132 with arginine.
Molecular consequence: missense variant.
Genome position (GRCh38, 1-based): chr2:73,449,922, A>G. VCF-style: chr2-73449922-A-G. GRCh37 (hg19) VCF-style: chr2-73677049-A-G.
Other names: c.3398A>G, p.Gln1133Arg (NM_015120.4); short protein forms Q1133R, Q1132R.
Identifiers: ClinVar variation 549994 (VCV000549994.11), dbSNP rs202114540, ClinGen allele CA1713517.

ClinVar aggregate classification (germline): Conflicting classifications of pathogenicity. Review status: criteria provided, conflicting classifications (1 of 4 stars). 6 submissions from 6 submitters: Uncertain significance (4); Likely benign (1). 1 of the submissions does not count toward it. Last evaluated 2026-09-01.

Conditions:
Cardiovascular phenotype. Identifiers: MedGen CN230736.
Alstrom syndrome (ALMS). Identifiers: Orphanet 64, MedGen C0268425, MONDO:0008763, OMIM 203800.

Allele frequency attached by ClinVar (database versions not stated): ExAC 0.00005; gnomAD exomes 0.00008 and 0.00012; gnomAD 0.00009; TOPMed 0.00009; ESP Exome Variant Server 0.00033.
gnomAD v4.1: 190 of 1,613,970 alleles (0.012%); highest among the groups gnomAD compares: Non-Finnish European, 0.015%; no homozygotes.

Submissions (6):

GeneDx
Classification: Uncertain significance. Last evaluated: 2026-09-01. Review status: criteria provided, single submitter. Criteria: GeneDx Variant Classification Process June 2021. Collection method: clinical testing. Allele origin: germline.
Comment: In silico analysis suggests that this missense variant does not alter protein structure/function; Has not been previously published as pathogenic or benign to our knowledge; This variant is associated with the following publications: (PMID: 29547645)

Ambry Genetics
Classification: Likely benign for Cardiovascular phenotype. Last evaluated: 2024-09-09. Review status: criteria provided, single submitter. Criteria: Ambry Variant Classification Scheme 2023. Collection method: clinical testing. Allele origin: germline.

Women's Health and Genetics/Laboratory Corporation of America, LabCorp
Classification: Uncertain significance. Last evaluated: 2023-12-14. Review status: criteria provided, single submitter. Criteria: LabCorp Variant Classification Summary - May 2015. Collection method: clinical testing. Allele origin: germline.
Comment: Variant summary: ALMS1 c.3392A>G (p.Gln1131Arg) results in a conservative amino acid change in the encoded protein sequence. Four of four in-silico tools predict a benign effect of the variant on protein function. The variant allele was found at a frequency of 8e-05 in 249024 control chromosomes. This frequency is not significantly higher than estimated for a pathogenic variant in ALMS1 causing Alstrom Syndrome (8e-05 vs 0.0014), allowing no conclusion about variant significance. To our knowledge, no occurrence of c.3392A>G in individuals affected with Alstrom Syndrome and no experimental evidence demonstrating its impact on protein function have been reported. Four submitters have cited clinical-significance assessments for this variant to ClinVar after 2014. All submitters classified the variant as uncertain significance. Based on the evidence outlined above, the variant was classified as uncertain significance.

Labcorp Genetics (formerly Invitae), Labcorp
Classification: Uncertain significance for Alstrom syndrome. Last evaluated: 2022-09-07. Review status: criteria provided, single submitter. Criteria: Invitae Variant Classification Sherloc (09022015). Collection method: clinical testing. Allele origin: germline.
Comment: This sequence change replaces glutamine, which is neutral and polar, with arginine, which is basic and polar, at codon 1133 of the ALMS1 protein (p.Gln1133Arg). This variant is present in population databases (rs202114540, gnomAD 0.01%). This variant has not been reported in the literature in individuals affected with ALMS1-related conditions. ClinVar contains an entry for this variant (Variation ID: 549994). In summary, the available evidence is currently insufficient to determine the role of this variant in disease. Therefore, it has been classified as a Variant of Uncertain Significance.

Fulgent Genetics
Classification: Uncertain significance for Alstrom syndrome. Last evaluated: 2022-02-25. Review status: criteria provided, single submitter. Criteria: ACMG Guidelines, 2015. Collection method: clinical testing. Allele origin: unknown.

Counsyl
Classification: Uncertain significance for Alstrom syndrome. Last evaluated: 2017-05-09. Review status: no assertion criteria provided. Collection method: clinical testing. Allele origin: unknown. Not counted in ClinVar's aggregate classification.